The following is an entry in ClinVar:

NM_001374736.1(DST):c.12731A>G (p.Asn4244Ser)

Gene: DST (dystonin; minus strand). Cytogenetic location: 6p12.1.
Variant type: single nucleotide variant.
Coding change: c.12731A>G on transcript NM_001374736.1 (MANE Select); coding-DNA position 12731, A replaced by G.
Protein change: p.Asn4244Ser; replaces asparagine 4244 with serine.
Molecular consequence: missense variant.
Genome position (GRCh38, 1-based): chr6:56,592,354, T>C on the plus strand (A>G on the coding strand, the complement: DST is on the minus strand). VCF-style: chr6-56592354-T-C. GRCh37 (hg19) VCF-style: chr6-56457152-T-C.
Other names: p.Asn1621Ser; c.6374A>G, p.Asn2125Ser (NM_001144769.5); c.5960A>G, p.Asn1987Ser (NM_001144770.2); c.12731A>G, p.Asn4244Ser (NM_001374722.1); c.12098A>G, p.Asn4033Ser (NM_001374729.1); c.5840A>G, p.Asn1947Ser (NM_001374730.1, NM_183380.4); c.12758A>G, p.Asn4253Ser (NM_001374734.1); c.4862A>G, p.Asn1621Ser (NM_015548.5); short protein forms N1947S, N4033S, N4244S, N4253S, N1987S, N2125S, N1621S.
Identifiers: ClinVar variation 964912 (VCV000964912.7), dbSNP rs200672626, ClinGen allele CA3868400.

ClinVar aggregate classification (germline): Uncertain significance. Review status: criteria provided, multiple submitters, no conflicts (2 of 4 stars). 3 submissions from 3 submitters: Uncertain significance (3). Last evaluated 2025-10-18.

Conditions:
Hereditary sensory and autonomic neuropathy type 6. Also called: HSAN VI; Neuropathy, hereditary sensory and autonomic, type VI. Identifiers: Orphanet 314381, MedGen C3539003, MONDO:0013839, OMIM 614653.
Epidermolysis bullosa simplex 3, localized or generalized intermediate, with BP230 deficiency (EBS3). Also called: Epidermolysis bullosa simplex due to BP230 deficiency; Epidermolysis bullosa simplex, autosomal recessive 2. Identifiers: Orphanet 412181, MedGen C3809470, MONDO:0014180, OMIM 615425.

Allele frequency attached by ClinVar (database versions not stated): gnomAD 0.00006 and 0.00007; TOPMed 0.00010; gnomAD exomes 0.00011; ExAC 0.00021.
gnomAD v4.1: 172 of 1,588,776 alleles (0.011%); highest among the groups gnomAD compares: South Asian, 0.019%; 1 homozygote.

Submissions (3):

Mayo Clinic Laboratories, Mayo Clinic
Classification: Uncertain significance. Last evaluated: 2025-10-18. Review status: criteria provided, single submitter. Criteria: ACMG Guidelines, 2015. Collection method: clinical testing. Allele origin: germline. Observed: 1 variant allele.
Comment: PP3

Blueprint Genetics
Classification: Uncertain significance. Last evaluated: 2024-11-20. Review status: criteria provided, single submitter. Criteria: ACMG Guidelines, 2015. Collection method: clinical testing. Allele origin: germline.

Labcorp Genetics (formerly Invitae), Labcorp
Classification: Uncertain significance for Epidermolysis bullosa simplex 3, localized or generalized intermediate, with BP230 deficiency; Hereditary sensory and autonomic neuropathy type 6. Last evaluated: 2022-09-07. Review status: criteria provided, single submitter. Criteria: Invitae Variant Classification Sherloc (09022015). Collection method: clinical testing. Allele origin: germline.
Comment: The DST gene has multiple clinically relevant transcripts. This variant occurs in alternate transcript NM_015548.4, and corresponds to NM_001723.5:c.*23163A>G in the primary transcript. This sequence change replaces asparagine, which is neutral and polar, with serine, which is neutral and polar, at codon 1621 of the DST protein (p.Asn1621Ser). This variant is present in population databases (rs200672626, gnomAD 0.02%). This variant has not been reported in the literature in individuals affected with DST-related conditions. Algorithms developed to predict the effect of missense changes on protein structure and function output the following: SIFT: "Not Available"; PolyPhen-2: "Not Available"; Align-GVGD: "Not Available". The serine amino acid residue is found in multiple mammalian species, which suggests that this missense change does not adversely affect protein function. Algorithms developed to predict the effect of sequence changes on RNA splicing suggest that this variant may create or strengthen a splice site. In summary, the available evidence is currently insufficient to determine the role of this variant in disease. Therefore, it has been classified as a Variant of Uncertain Significance.